The following is an entry in ClinVar:

NM_001267550.2(TTN):c.52425T>G (p.Asp17475Glu)

Genes: TTN (titin; minus strand), TTN-AS1 (TTN antisense RNA 1; plus strand). Cytogenetic location: 2q31.2.
Variant type: single nucleotide variant.
Coding change: c.52425T>G on transcript NM_001267550.2 (MANE Select); coding-DNA position 52425, T replaced by G.
Protein change: p.Asp17475Glu; replaces aspartic acid 17475 with glutamic acid.
Molecular consequence: missense variant.
Genome position (GRCh38, 1-based): chr2:178,608,458, A>C on the plus strand (T>G on the coding strand, the complement: TTN is on the minus strand). VCF-style: chr2-178608458-A-C. GRCh37 (hg19) VCF-style: chr2-179473185-A-C.
Other names: c.47502T>G, p.Asp15834Glu (NM_001256850.1); c.25230T>G, p.Asp8410Glu (NM_003319.4); c.44721T>G, p.Asp14907Glu (NM_133378.4); c.25605T>G, p.Asp8535Glu (NM_133432.3); c.25806T>G, p.Asp8602Glu (NM_133437.4); short protein forms D14907E, D8602E, D15834E, D17475E, D8410E, D8535E.
Identifiers: ClinVar variation 2920830 (VCV002920830.1), dbSNP rs1176767614, ClinGen allele CA349573937.

ClinVar aggregate classification (germline): Uncertain significance (1 of 4 stars; one submission).

Allele frequency attached by ClinVar (database versions not stated): TOPMed below 0.00001.
gnomAD v4.1: 1 of 1,600,096 alleles (0.000062%); no homozygotes.

Submission:

ARUP Laboratories, Molecular Genetics and Genomics, ARUP Laboratories
Classification: Uncertain significance. Last evaluated: 2022-12-01. Review status: criteria provided, single submitter. Criteria: ARUP Molecular Germline Variant Investigation Process 2024. Collection method: clinical testing. Allele origin: germline.
Comment: The TTN c.52425T>G; p.Asp17475Glu variant (rs1176767614) is rare in the general population (<0.2% allele frequency in the Genome Aggregation Database) and has not been reported in the medical literature in association with dilated cardiomyopathy (DCM) or other TTN-related disease. The clinical relevance of rare missense variants in this gene, which are identified on average once per individual sequenced in affected populations (Herman 2012), is not well understood. Yet, evidence suggests that the vast majority of such missense variants do not contribute to the clinical outcome of DCM (Begay 2015). Thus, the clinical significance of the p.Asp17475Glu variant cannot be determined with certainty.